The following is an entry in ClinVar:

ClinVar aggregate classification (germline): Uncertain significance (1 of 4 stars; one submission).

Allele frequency attached by ClinVar (database versions not stated): gnomAD 0.00005; gnomAD exomes 0.00005 and 0.00010; TOPMed 0.00005; ESP Exome Variant Server 0.00008; ExAC 0.00010.
gnomAD v4.1: 84 of 1,613,306 alleles (0.0052%); highest among the groups gnomAD compares: Middle Eastern, 0.033%; no homozygotes.

Submission:

Labcorp Genetics (formerly Invitae), Labcorp
Classification: Uncertain significance. Last evaluated: 2026-01-04. Review status: criteria provided, single submitter. Criteria: Invitae Variant Classification Sherloc (09022015). Collection method: clinical testing. Allele origin: germline.
Comment: This sequence change replaces alanine, which is neutral and non-polar, with threonine, which is neutral and polar, at codon 5632 of the HMCN1 protein (p.Ala5632Thr). This variant is present in population databases (rs372434876, gnomAD 0.02%). This variant has not been reported in the literature in individuals affected with HMCN1-related conditions. ClinVar contains an entry for this variant (Variation ID: 1441927). An algorithm developed to predict the effect of missense changes on protein structure and function (PolyPhen-2) suggests that this variant is likely to be disruptive. In summary, the available evidence is currently insufficient to determine the role of this variant in disease. Therefore, it has been classified as a Variant of Uncertain Significance.

NM_031935.3(HMCN1):c.16894G>A (p.Ala5632Thr)

Gene: HMCN1 (hemicentin 1; plus strand). Cytogenetic location: 1q31.1.
Variant type: single nucleotide variant.
Coding change: c.16894G>A on transcript NM_031935.3 (MANE Select); coding-DNA position 16894, G replaced by A.
Protein change: p.Ala5632Thr; replaces alanine 5632 with threonine.
Molecular consequence: missense variant.
Genome position (GRCh38, 1-based): chr1:186,189,864, G>A. VCF-style: chr1-186189864-G-A. GRCh37 (hg19) VCF-style: chr1-186158996-G-A.
Other names: short protein forms A5632T.
Identifiers: ClinVar variation 1441927 (VCV001441927.6), dbSNP rs372434876, ClinGen allele CA1295671.